The following is an entry in ClinVar:

ClinVar aggregate classification (germline): Uncertain significance (1 of 4 stars; one submission).

Conditions:
Sulfite oxidase deficiency. Also called: Isolated sulfite oxidase deficiency. Identifiers: Orphanet 833, Orphanet 99731, MedGen C0268624, MONDO:0010089, OMIM 272300, HP:0003643.

Allele frequency attached by ClinVar (database versions not stated): ExAC 0.00007; gnomAD exomes 0.00007; TOPMed 0.00007; gnomAD 0.00017 and 0.00018; 1000 Genomes Project 0.00020; 1000 Genomes Project 30x 0.00031.

Submission:

Labcorp Genetics (formerly Invitae), Labcorp
Classification: Uncertain significance for Sulfite oxidase deficiency. Last evaluated: 2026-01-04. Review status: criteria provided, single submitter. Criteria: Invitae Variant Classification Sherloc (09022015). Collection method: clinical testing. Allele origin: germline.
Comment: This sequence change replaces arginine, which is basic and polar, with histidine, which is basic and polar, at codon 538 of the SUOX protein (p.Arg538His). This variant is present in population databases (rs559228719, gnomAD 0.03%). This variant has not been reported in the literature in individuals affected with SUOX-related conditions. ClinVar contains an entry for this variant (Variation ID: 1395166). Invitae Evidence Modeling of protein sequence and biophysical properties (such as structural, functional, and spatial information, amino acid conservation, physicochemical variation, residue mobility, and thermodynamic stability) indicates that this missense variant is not expected to disrupt SUOX protein function with a negative predictive value of 95%. In summary, the available evidence is currently insufficient to determine the role of this variant in disease. Therefore, it has been classified as a Variant of Uncertain Significance.

NM_001032386.2(SUOX):c.1613G>A (p.Arg538His)

Gene: SUOX (sulfite oxidase; plus strand). Cytogenetic location: 12q13.2.
Variant type: single nucleotide variant.
Coding change: c.1613G>A on transcript NM_001032386.2 (MANE Select); coding-DNA position 1613, G replaced by A.
Protein change: p.Arg538His; replaces arginine 538 with histidine.
Molecular consequence: missense variant.
Genome position (GRCh38, 1-based): chr12:56,005,002, G>A. VCF-style: chr12-56005002-G-A. GRCh37 (hg19) VCF-style: chr12-56398786-G-A.
Other names: c.1613G>A, p.Arg538His (NM_000456.3, NM_001032387.2); short protein forms R538H.
Identifiers: ClinVar variation 1395166 (VCV001395166.7), dbSNP rs559228719, ClinGen allele CA6621191.